The following is an entry in ClinVar:

NM_021831.6(AGBL5):c.1266dup (p.Lys423fs)

Gene: AGBL5 (AGBL carboxypeptidase 5; plus strand). Cytogenetic location: 2p23.3.
Variant type: Duplication.
Coding change: c.1266dup on transcript NM_021831.6 (MANE Select); coding-DNA position 1266, one base duplicated (C; older notation c.1266dupC).
Protein change: p.Lys423fs; shifts the reading frame from lysine 423.
Molecular consequence: frameshift variant. On other transcripts: non-coding transcript variant (2).
Genome position (GRCh38, 1-based): chr2:27,056,039, C duplicated; the last of 7 consecutive C bases (chr2:27,056,033-27,056,039); duplicating any one gives the same sequence. VCF-style (leftmost placement, unchanged base first): chr2-27056032-T-TC. GRCh37 (hg19) VCF-style: chr2-27278900-T-TC.
Other names: c.1266dup, p.Lys423fs (NM_001035507.3); short protein forms K423fs.
Identifiers: ClinVar variation 4954178 (VCV004954178.3).

ClinVar aggregate classification (germline): Likely pathogenic. Review status: criteria provided, multiple submitters, no conflicts (2 of 4 stars). 2 submissions from 2 submitters: Likely pathogenic (2). Last evaluated 2021-05-21.

Conditions:
Retinitis pigmentosa 75 (RP75). Identifiers: Orphanet 791, MedGen C4310759, MONDO:0014871, OMIM 617023.
AGBL5-related disorder. Also called: AGBL5-related condition.

Submissions (2):

Blueprint Genetics
Classification: Likely pathogenic for AGBL5-related disorders. Last evaluated: 2021-05-21. Review status: criteria provided, single submitter. Criteria: ACMG Guidelines, 2015. Collection method: clinical testing. Allele origin: germline. Affected: yes. Observed: 2 variant alleles.

Juno Genomics, Hangzhou Juno Genomics, Inc
Classification: Likely pathogenic for Retinitis pigmentosa 75. Review status: criteria provided, single submitter. Criteria: ACMG Guidelines, 2015. Collection method: clinical testing. Allele origin: germline.
Comment: Null variant in a gene where loss of function (LOF) is a known mechanism of disease.;Absent from controls (or at extremely low frequency if recessive) in Genome Aggregation Database.